The following is an entry in ClinVar:

NM_001458.5(FLNC):c.4300C>T (p.Arg1434Cys)

Gene: FLNC (filamin C; plus strand). Cytogenetic location: 7q32.1.
Variant type: single nucleotide variant.
Coding change: c.4300C>T on transcript NM_001458.5 (MANE Select); coding-DNA position 4300, C replaced by T.
Protein change: p.Arg1434Cys; replaces arginine 1434 with cysteine.
Molecular consequence: missense variant.
Genome position (GRCh38, 1-based): chr7:128,847,708, C>T. VCF-style: chr7-128847708-C-T. GRCh37 (hg19) VCF-style: chr7-128487762-C-T.
Other names: c.4300C>T, p.Arg1434Cys (NM_001127487.2); short protein forms R1434C.
Identifiers: ClinVar variation 662657 (VCV000662657.13), dbSNP rs536331212, ClinGen allele CA4475308.

ClinVar aggregate classification (germline): Conflicting classifications of pathogenicity. Review status: criteria provided, conflicting classifications (1 of 4 stars). 6 submissions from 6 submitters: Uncertain significance (5); Likely benign (1). Last evaluated 2026-01-05.

Conditions:
Cardiovascular phenotype. Identifiers: MedGen CN230736.
Distal myopathy with posterior leg and anterior hand involvement. Also called: WILLIAMS DISTAL MYOPATHY. Identifiers: Orphanet 63273, MedGen C3279722, MONDO:0013550, OMIM 614065.
Myofibrillar myopathy 5. Also called: Filaminopathy (type); FILAMINOPATHY, AUTOSOMAL DOMINANT. Identifiers: Orphanet 171445, MedGen C1836050, MONDO:0012289, OMIM 609524.
Hypertrophic cardiomyopathy 26. Also called: Cardiomyopathy, familial hypertrophic, 26. Identifiers: Orphanet 75249, MedGen C4310749, MONDO:0014883, OMIM 617047.

Allele frequency attached by ClinVar (database versions not stated): ExAC 0.00001; gnomAD exomes 0.00001 and 0.00002; TOPMed 0.00001; gnomAD 0.00002 and 0.00003; 1000 Genomes Project 30x 0.00016; 1000 Genomes Project 0.00020.
gnomAD v4.1: 16 of 1,614,052 alleles (0.00099%); highest among the groups gnomAD compares: East Asian, 0.0045%; no homozygotes.

Submissions (6):

Labcorp Genetics (formerly Invitae), Labcorp
Classification: Likely benign for Distal myopathy with posterior leg and anterior hand involvement; Myofibrillar myopathy 5; Hypertrophic cardiomyopathy 26. Last evaluated: 2026-01-05. Review status: criteria provided, single submitter. Criteria: Invitae Variant Classification Sherloc (09022015). Collection method: clinical testing. Allele origin: germline.

Women's Health and Genetics/Laboratory Corporation of America, LabCorp
Classification: Uncertain significance. Last evaluated: 2025-09-30. Review status: criteria provided, single submitter. Criteria: LabCorp Variant Classification Summary - May 2015. Collection method: clinical testing. Allele origin: germline.
Comment: Variant summary: FLNC c.4300C>T (p.Arg1434Cys) results in a non-conservative amino acid change in the encoded protein sequence. Algorithms developed to predict the effect of missense changes on protein structure and function all suggest that this variant is likely to be disruptive. The variant allele was found at a frequency of 1.6e-05 in 249038 control chromosomes. The available data on variant occurrences in the general population are insufficient to allow any conclusion about variant significance. To our knowledge, no occurrence of c.4300C>T in individuals affected with FLNC-related conditions and no experimental evidence demonstrating its impact on protein function have been reported. ClinVar contains an entry for this variant (Variation ID: 662657). Based on the evidence outlined above, the variant was classified as uncertain significance.

Revvity Omics, Revvity
Classification: Uncertain significance. Last evaluated: 2023-11-28. Review status: criteria provided, single submitter. Criteria: ACMG Guidelines, 2015. Collection method: clinical testing. Allele origin: germline.

Ambry Genetics
Classification: Uncertain significance for Cardiovascular phenotype. Last evaluated: 2023-07-27. Review status: criteria provided, single submitter. Criteria: Ambry Variant Classification Scheme 2023. Collection method: clinical testing. Allele origin: germline.
Comment: The p.R1434C variant (also known as c.4300C>T), located in coding exon 25 of the FLNC gene, results from a C to T substitution at nucleotide position 4300. The arginine at codon 1434 is replaced by cysteine, an amino acid with highly dissimilar properties. This amino acid position is highly conserved in available vertebrate species. In addition, the in silico prediction for this alteration is inconclusive. Since supporting evidence is limited at this time, the clinical significance of this alteration remains unclear.

ARUP Laboratories, Molecular Genetics and Genomics, ARUP Laboratories
Classification: Uncertain significance. Last evaluated: 2023-03-28. Review status: criteria provided, single submitter. Criteria: ARUP Molecular Germline Variant Investigation Process 2024. Collection method: clinical testing. Allele origin: germline.
Comment: The FLNC c.4300C>T; p.Arg1434Cys variant (rs536331212), to our knowledge, is not reported in the medical literature but is reported in ClinVar (Variation ID: 662657). This variant is found on four alleles in the Genome Aggregation Database. Computational analyses are uncertain whether this variant is neutral or deleterious (REVEL: 0.691). Due to limited information, the clinical significance of this variant is uncertain at this time.

GeneDx
Classification: Uncertain significance. Last evaluated: 2022-02-11. Review status: criteria provided, single submitter. Criteria: GeneDx Variant Classification Process June 2021. Collection method: clinical testing. Allele origin: germline. Affected: yes.
Comment: Observed in an individual with limb girdle muscular dystrophy, who also harbored an additional variant of uncertain significance in MYH7 (Savarese et al., 2014); In silico analysis supports that this missense variant has a deleterious effect on protein structure/function; This variant is associated with the following publications: (PMID: 25214167)